The following is an entry in ClinVar:

ClinVar aggregate classification (germline): Uncertain significance (1 of 4 stars; one submission).

Submission:

GeneDx
Classification: Uncertain significance. Last evaluated: 2020-01-28. Review status: criteria provided, single submitter. Criteria: GeneDx Variant Classification Process June 2021. Collection method: clinical testing. Allele origin: germline. Affected: yes.
Comment: Not observed in large population cohorts (Lek et al., 2016); In silico analysis supports that this missense variant does not alter protein structure/function; Has not been previously published as pathogenic or benign to our knowledge

NM_001042750.2(STAG2):c.2837G>T (p.Ser946Ile)

Gene: STAG2 (STAG2 cohesin complex component; plus strand). Cytogenetic location: Xq25.
Variant type: single nucleotide variant.
Coding change: c.2837G>T on transcript NM_001042750.2 (MANE Select); coding-DNA position 2837, G replaced by T.
Protein change: p.Ser946Ile; replaces serine 946 with isoleucine.
Molecular consequence: missense variant.
Genome position (GRCh38, 1-based): chrX:124,081,441, G>T. VCF-style: chrX-124081441-G-T. GRCh37 (hg19) VCF-style: chrX-123215291-G-T.
Other names: c.2837G>T, p.Ser946Ile (NM_001042749.2, NM_001042751.2, NM_001282418.2 and 13 more transcripts); short protein forms S946I.
Identifiers: ClinVar variation 1316373 (VCV001316373.2), dbSNP rs2148434622, ClinGen allele CA414280023.